The following is an entry in ClinVar:

ClinVar aggregate classification (germline): Uncertain significance. Review status: criteria provided, multiple submitters, no conflicts (2 of 4 stars). 2 submissions from 2 submitters: Uncertain significance (2). Last evaluated 2024-04-21.

Allele frequency attached by ClinVar (database versions not stated): gnomAD 0.00001; ExAC 0.00004; gnomAD exomes 0.00004; ESP Exome Variant Server 0.00008.
gnomAD v4.1: 55 of 1,612,284 alleles (0.0034%); highest among the groups gnomAD compares: Non-Finnish European, 0.0043%; no homozygotes.

Submissions (2):

Blueprint Genetics
Classification: Uncertain significance. Last evaluated: 2024-04-21. Review status: criteria provided, single submitter. Criteria: ACMG Guidelines, 2015. Collection method: clinical testing. Allele origin: germline.

Labcorp Genetics (formerly Invitae), Labcorp
Classification: Uncertain significance. Last evaluated: 2023-03-15. Review status: criteria provided, single submitter. Criteria: Invitae Variant Classification Sherloc (09022015). Collection method: clinical testing. Allele origin: germline.
Comment: In summary, the available evidence is currently insufficient to determine the role of this variant in disease. Therefore, it has been classified as a Variant of Uncertain Significance. An algorithm developed to predict the effect of missense changes on protein structure and function (PolyPhen-2) suggests that this variant is likely to be disruptive. This variant has not been reported in the literature in individuals affected with CD81-related conditions. This variant is present in population databases (rs368611423, gnomAD 0.007%). This sequence change replaces alanine, which is neutral and non-polar, with valine, which is neutral and non-polar, at codon 54 of the CD81 protein (p.Ala54Val).

NM_004356.4(CD81):c.161C>T (p.Ala54Val)

Gene: CD81 (CD81 molecule; plus strand). Cytogenetic location: 11p15.5.
Variant type: single nucleotide variant.
Coding change: c.161C>T on transcript NM_004356.4 (MANE Select); coding-DNA position 161, C replaced by T.
Protein change: p.Ala54Val; replaces alanine 54 with valine.
Molecular consequence: missense variant. On other transcripts: 5 prime UTR variant (1).
Genome position (GRCh38, 1-based): chr11:2,390,506, C>T. VCF-style: chr11-2390506-C-T. GRCh37 (hg19) VCF-style: chr11-2411736-C-T.
Other names: c.-53C>T (NM_001297649.2, NM_001425129.1, NM_001425131.1 and 3 more transcripts); c.-49C>T (NM_001425130.1); c.161C>T, p.Ala54Val (NM_001425135.1, NM_001425137.1); short protein forms A54V.
Identifiers: ClinVar variation 3022845 (VCV003022845.4), dbSNP rs368611423, ClinGen allele CA5819848.